The following is an entry in ClinVar:

ClinVar aggregate classification (germline): Uncertain significance. Review status: criteria provided, multiple submitters, no conflicts (2 of 4 stars). 2 submissions from 2 submitters: Uncertain significance (2). Last evaluated 2025-04-11.

Conditions:
Inborn genetic diseases. Identifiers: MedGen C0950123, MeSH D030342.

Allele frequency attached by ClinVar (database versions not stated): gnomAD exomes 0.00001.
gnomAD v4.1: 6 of 1,612,702 alleles (0.00037%); highest among the groups gnomAD compares: Admixed American, 0.01%; no homozygotes.

Submissions (2):

Ambry Genetics
Classification: Uncertain significance for Inborn genetic diseases. Last evaluated: 2025-04-11. Review status: criteria provided, single submitter. Criteria: Ambry Variant Classification Scheme 2023. Collection method: clinical testing. Allele origin: germline.

Labcorp Genetics (formerly Invitae), Labcorp
Classification: Uncertain significance. Last evaluated: 2022-07-01. Review status: criteria provided, single submitter. Criteria: Invitae Variant Classification Sherloc (09022015). Collection method: clinical testing. Allele origin: germline.
Comment: In summary, the available evidence is currently insufficient to determine the role of this variant in disease. Therefore, it has been classified as a Variant of Uncertain Significance. Advanced modeling of protein sequence and biophysical properties (such as structural, functional, and spatial information, amino acid conservation, physicochemical variation, residue mobility, and thermodynamic stability) performed at Invitae indicates that this missense variant is not expected to disrupt CLCN2 protein function. This variant has not been reported in the literature in individuals affected with CLCN2-related conditions. This variant is present in population databases (no rsID available, gnomAD 0.01%). This sequence change replaces valine, which is neutral and non-polar, with alanine, which is neutral and non-polar, at codon 632 of the CLCN2 protein (p.Val632Ala).

NM_004366.6(CLCN2):c.1895T>C (p.Val632Ala)

Gene: CLCN2 (chloride voltage-gated channel 2; minus strand). Cytogenetic location: 3q27.1.
Variant type: single nucleotide variant.
Coding change: c.1895T>C on transcript NM_004366.6 (MANE Select); coding-DNA position 1895, T replaced by C.
Protein change: p.Val632Ala; replaces valine 632 with alanine.
Molecular consequence: missense variant.
Genome position (GRCh38, 1-based): chr3:184,353,383, A>G on the plus strand (T>C on the coding strand, the complement: CLCN2 is on the minus strand). VCF-style: chr3-184353383-A-G. GRCh37 (hg19) VCF-style: chr3-184071171-A-G.
Other names: c.1844T>C, p.Val615Ala (NM_001171087.3); c.1763T>C, p.Val588Ala (NM_001171088.3); c.1895T>C, p.Val632Ala (NM_001171089.3); c.1895T>C (NM_004366.4); short protein forms V632A, V588A, V615A.
Identifiers: ClinVar variation 1939685 (VCV001939685.6), dbSNP rs1291657133, ClinGen allele CA355449033.